The following is an entry in ClinVar:

NM_003922.4(HERC1):c.9458G>T (p.Gly3153Val)

Gene: HERC1 (HECT and RLD domain containing E3 ubiquitin protein ligase family member 1; minus strand). Cytogenetic location: 15q22.31.
Variant type: single nucleotide variant.
Coding change: c.9458G>T on transcript NM_003922.4 (MANE Select); coding-DNA position 9458, G replaced by T.
Protein change: p.Gly3153Val; replaces glycine 3153 with valine.
Molecular consequence: missense variant.
Genome position (GRCh38, 1-based): chr15:63,658,685, C>A on the plus strand (G>T on the coding strand, the complement: HERC1 is on the minus strand). VCF-style: chr15-63658685-C-A. GRCh37 (hg19) VCF-style: chr15-63950884-C-A.
Other names: short protein forms G3153V.
Identifiers: ClinVar variation 4529956 (VCV004529956.1).

ClinVar aggregate classification (germline): Uncertain significance (1 of 4 stars; one submission).

gnomAD v4.1: 1 of 1,613,444 alleles (0.000062%); highest among the groups gnomAD compares: Non-Finnish European, 0.000085%; no homozygotes.

Submission:

GeneDx
Classification: Uncertain significance. Last evaluated: 2025-05-12. Review status: criteria provided, single submitter. Criteria: GeneDx Variant Classification Process June 2021. Collection method: clinical testing. Allele origin: germline. Affected: yes.
Comment: Not observed at significant frequency in large population cohorts (gnomAD); In silico analysis supports that this missense variant has a deleterious effect on protein structure/function; Has not been previously published as pathogenic or benign to our knowledge